The following is an entry in ClinVar:

NM_000548.5(TSC2):c.648+6T>C

Gene: TSC2 (TSC complex subunit 2; plus strand). Cytogenetic location: 16p13.3.
Variant type: single nucleotide variant.
Coding change: c.648+6T>C on transcript NM_000548.5 (MANE Select); 6 bases into the intron after coding-DNA position 648, T replaced by C.
Molecular consequence: intron variant.
Genome position (GRCh38, 1-based): chr16:2,056,250, T>C. VCF-style: chr16-2056250-T-C. GRCh37 (hg19) VCF-style: chr16-2106251-T-C.
Other names: c.648+6T>C (NM_001114382.3, NM_021055.3, NM_001370405.1 and 4 more transcripts); c.537+6T>C (NM_001318827.2); c.48+6T>C (NM_001318831.2); c.501+6T>C (NM_001318829.2); c.681+6T>C (NM_001318832.2).
Identifiers: ClinVar variation 452900 (VCV000452900.17), dbSNP rs372007135, ClinGen allele CA055922.
Genomic context (GRCh38, chr16:2,056,250, plus strand): 5'-CTGCAGGATGATCTGTCTGCTGTGCGTCCGGACCGCGTCCTCTGTGGACATAGAGGTCAG[T>C]GCCTCCCCTCCCCAGGGCCGGCCCATTTCACCCTGGTTTCTGGGAGGCTGGGGCTTGGGG-3'

ClinVar aggregate classification (germline): Conflicting classifications of pathogenicity. Review status: criteria provided, conflicting classifications (1 of 4 stars). 5 submissions from 5 submitters: Uncertain significance (1); Likely benign (3). 1 of the submissions does not count toward it. Last evaluated 2026-01-02.

Conditions:
TSC2-related disorder. Also called: TSC2-related condition; TSC2-Related Disorders.
Tuberous sclerosis syndrome (TSC). Also called: Tuberous sclerosis; Tuberous Sclerosis Complex. Identifiers: Orphanet 805, MedGen C0041341, MONDO:0001734.
Tuberous sclerosis 2 (TSC2). Identifiers: Orphanet 805, MedGen C1860707, MONDO:0013199, OMIM 613254.

Allele frequency attached by ClinVar (database versions not stated): gnomAD exomes below 0.00001; ExAC 0.00001; TOPMed 0.00002; gnomAD 0.00005 and 0.00006.
gnomAD v4.1: 9 of 1,613,936 alleles (0.00056%); highest among the groups gnomAD compares: African/African-American, 0.012%; no homozygotes.

Submissions (5):

Labcorp Genetics (formerly Invitae), Labcorp
Classification: Likely benign for Tuberous sclerosis 2. Last evaluated: 2026-01-02. Review status: criteria provided, single submitter. Criteria: Invitae Variant Classification Sherloc (09022015). Collection method: clinical testing. Allele origin: germline.

Color Diagnostics, LLC DBA Color Health
Classification: Likely benign for Tuberous sclerosis syndrome. Last evaluated: 2022-09-13. Review status: criteria provided, single submitter. Criteria: ACMG Guidelines, 2015. Collection method: clinical testing. Allele origin: germline.

Genome-Nilou Lab
Classification: Likely benign for Tuberous sclerosis 2. Last evaluated: 2021-11-07. Review status: criteria provided, single submitter. Criteria: ACMG Guidelines, 2015. Collection method: clinical testing. Allele origin: germline. Affected: no.

GeneDx
Classification: Uncertain significance. Last evaluated: 2017-10-19. Review status: criteria provided, single submitter. Criteria: GeneDx Variant Classification (06012015). Collection method: clinical testing. Allele origin: germline. Affected: yes.
Comment: A variant of uncertain significance has been identified in the TSC2 gene. The c.648+6 T>C varianthas not been published as a pathogenic variant, nor has it been reported as a benign variant to ourknowledge. The c.648+6 T>C variant is observed in 4/24,028 (0.02%) alleles from individuals ofAfrican background (Lek et al., 2016). This substitution occurs at a position that is conserved acrossspecies. Several in-silico splice prediction models predict that c.648+6 T>C may damage the natural splice donor site in intron 7 and lead to abnormal gene splicing. However, in the absence ofRNA/functional studies, the actual effect of this sequence change in this individual is unknown.Therefore, based on the currently available information, it is unclear whether this variant is a pathogenic variant or a rare benign variant.

PreventionGenetics, part of Exact Sciences
Classification: Likely benign for TSC2-related condition. Last evaluated: 2022-03-30. Review status: no assertion criteria provided. Collection method: clinical testing. Allele origin: germline. Not counted in ClinVar's aggregate classification.
Comment: This variant is classified as likely benign based on ACMG/AMP sequence variant interpretation guidelines (Richards et al. 2015 PMID: 25741868, with internal and published modifications).